The following is an entry in ClinVar:

ClinVar aggregate classification (germline): Benign/Likely benign. Review status: criteria provided, multiple submitters, no conflicts (2 of 4 stars). 2 submissions from 2 submitters: Benign (1); Likely benign (1). Last evaluated 2022-07-01.

Allele frequency attached by ClinVar (database versions not stated): TOPMed 0.00002; gnomAD 0.00009; gnomAD exomes 0.00013; ExAC 0.00025; 1000 Genomes Project 30x 0.00047; 1000 Genomes Project 0.00060.
gnomAD v4.1: 192 of 1,519,968 alleles (0.013%); highest among the groups gnomAD compares: South Asian, 0.25%; 5 homozygotes.

Submissions (2):

CeGaT Center for Human Genetics Tuebingen
Classification: Likely benign. Last evaluated: 2022-07-01. Review status: criteria provided, single submitter. Criteria: CeGaT Center For Human Genetics Tuebingen Variant Classification Criteria Version 2. Collection method: clinical testing. Allele origin: germline. Affected: yes. Observed: 1 variant allele.
Comment: ZNF335: BP4, BP7

Labcorp Genetics (formerly Invitae), Labcorp
Classification: Benign. Last evaluated: 2021-12-19. Review status: criteria provided, single submitter. Criteria: Invitae Variant Classification Sherloc (09022015). Collection method: clinical testing. Allele origin: germline.

NM_022095.4(ZNF335):c.1116G>A (p.Glu372=)

Gene: ZNF335 (zinc finger protein 335; minus strand). Cytogenetic location: 20q13.12.
Variant type: single nucleotide variant.
Coding change: c.1116G>A on transcript NM_022095.4 (MANE Select); coding-DNA position 1116, G replaced by A.
Protein change: p.Glu372=; no amino-acid change (glutamic acid 372 retained).
Molecular consequence: synonymous variant.
Genome position (GRCh38, 1-based): chr20:45,963,977, C>T on the plus strand (G>A on the coding strand, the complement: ZNF335 is on the minus strand). VCF-style: chr20-45963977-C-T. GRCh37 (hg19) VCF-style: chr20-44592616-C-T.
Identifiers: ClinVar variation 2143438 (VCV002143438.28), dbSNP rs550725117, ClinGen allele CA9885823.
Genomic context (GRCh38, chr20:45,963,977, plus strand): 5'-GGGAGCCTCGGGATCCTGTGGCTCTGGAGGGCTCTGTCCACTCTGGGAACTCACTAGAGG[C>T]TCTCCTTCCACACCTGCCACGGACATGCCAGGTCACAAGCCAGCCACTGACACACCAGGA-3'
Protein context (NP_071378.1, residues 362-382): ISDLPDGVEG[Glu372=]PLVSSQSGQS